The following is an entry in ClinVar:

NM_015215.4(CAMTA1):c.3518A>T (p.Gln1173Leu)

Gene: CAMTA1 (calmodulin binding transcription activator 1; plus strand). Cytogenetic location: 1p36.23.
Variant type: single nucleotide variant.
Coding change: c.3518A>T on transcript NM_015215.4 (MANE Select); coding-DNA position 3518, A replaced by T.
Protein change: p.Gln1173Leu; replaces glutamine 1173 with leucine.
Molecular consequence: missense variant.
Genome position (GRCh38, 1-based): chr1:7,737,430, A>T. VCF-style: chr1-7737430-A-T. GRCh37 (hg19) VCF-style: chr1-7797490-A-T.
Other names: c.3428A>T, p.Gln1143Leu (NM_001349608.2, NM_001349612.2); c.3518A>T, p.Gln1173Leu (NM_001349609.2, NM_001349610.2, NM_001410737.1); c.647A>T, p.Gln216Leu (NM_001349613.1); c.590A>T, p.Gln197Leu (NM_001349614.1, NM_001349615.2, NM_001349616.2 and 10 more transcripts); c.3446A>T, p.Gln1149Leu (NM_001410738.1); short protein forms Q197L, Q1173L, Q1143L, Q216L, Q1149L.
Identifiers: ClinVar variation 1986349 (VCV001986349.4), dbSNP rs762063758, ClinGen allele CA566968.

ClinVar aggregate classification (germline): Uncertain significance (1 of 4 stars; one submission).

Allele frequency attached by ClinVar (database versions not stated): gnomAD exomes below 0.00001; ExAC 0.00002; TOPMed 0.00002; gnomAD 0.00003.
gnomAD v4.1: 6 of 1,614,060 alleles (0.00037%); highest among the groups gnomAD compares: African/African-American, 0.008%; no homozygotes.

Submission:

Labcorp Genetics (formerly Invitae), Labcorp
Classification: Uncertain significance. Last evaluated: 2022-10-24. Review status: criteria provided, single submitter. Criteria: Invitae Variant Classification Sherloc (09022015). Collection method: clinical testing. Allele origin: germline.
Comment: This sequence change replaces glutamine, which is neutral and polar, with leucine, which is neutral and non-polar, at codon 1173 of the CAMTA1 protein (p.Gln1173Leu). This variant is present in population databases (rs762063758, gnomAD 0.02%). This variant has not been reported in the literature in individuals affected with CAMTA1-related conditions. Algorithms developed to predict the effect of missense changes on protein structure and function are either unavailable or do not agree on the potential impact of this missense change (SIFT: "Deleterious"; PolyPhen-2: "Benign"; Align-GVGD: "Class C0"). In summary, the available evidence is currently insufficient to determine the role of this variant in disease. Therefore, it has been classified as a Variant of Uncertain Significance.